The following is an entry in ClinVar:

NM_003816.3(ADAM9):c.682A>G (p.Met228Val)

Gene: ADAM9 (ADAM metallopeptidase domain 9; plus strand). Cytogenetic location: 8p11.22.
Variant type: single nucleotide variant.
Coding change: c.682A>G on transcript NM_003816.3 (MANE Select); coding-DNA position 682, A replaced by G.
Protein change: p.Met228Val; replaces methionine 228 with valine.
Molecular consequence: missense variant. On other transcripts: non-coding transcript variant (3).
Genome position (GRCh38, 1-based): chr8:39,021,652, A>G. VCF-style: chr8-39021652-A-G. GRCh37 (hg19) VCF-style: chr8-38879171-A-G.
Other names: short protein forms M228V.
Identifiers: ClinVar variation 1997216 (VCV001997216.4), dbSNP rs1250478890, ClinGen allele CA370753834.

ClinVar aggregate classification (germline): Uncertain significance (1 of 4 stars; one submission).

Allele frequency attached by ClinVar (database versions not stated): gnomAD exomes 0.00001.
gnomAD v4.1: 4 of 1,613,780 alleles (0.00025%); highest among the groups gnomAD compares: Admixed American, 0.0033%; no homozygotes.

Submission:

Labcorp Genetics (formerly Invitae), Labcorp
Classification: Uncertain significance. Last evaluated: 2022-05-21. Review status: criteria provided, single submitter. Criteria: Invitae Variant Classification Sherloc (09022015). Collection method: clinical testing. Allele origin: germline.
Comment: Algorithms developed to predict the effect of missense changes on protein structure and function (SIFT, PolyPhen-2, Align-GVGD) all suggest that this variant is likely to be tolerated. This variant has not been reported in the literature in individuals affected with ADAM9-related conditions. This variant is present in population databases (no rsID available, gnomAD 0.003%). This sequence change replaces methionine, which is neutral and non-polar, with valine, which is neutral and non-polar, at codon 228 of the ADAM9 protein (p.Met228Val). In summary, the available evidence is currently insufficient to determine the role of this variant in disease. Therefore, it has been classified as a Variant of Uncertain Significance.